The following is an entry in ClinVar:

NM_006044.4(HDAC6):c.3145C>G (p.Leu1049Val)

Gene: HDAC6 (histone deacetylase 6; plus strand). Cytogenetic location: Xp11.23.
Variant type: single nucleotide variant.
Coding change: c.3145C>G on transcript NM_006044.4 (MANE Select); coding-DNA position 3145, C replaced by G.
Protein change: p.Leu1049Val; replaces leucine 1049 with valine.
Molecular consequence: missense variant. On other transcripts: non-coding transcript variant (1).
Genome position (GRCh38, 1-based): chrX:48,823,544, C>G. VCF-style: chrX-48823544-C-G. GRCh37 (hg19) VCF-style: chrX-48681954-C-G.
Other names: c.3187C>G, p.Leu1063Val (NM_001321225.2); c.3145C>G, p.Leu1049Val (NM_001321226.2, NM_001321227.2, NM_001321228.2 and 1 more transcripts); short protein forms L1063V, L1049V.
Identifiers: ClinVar variation 2284227 (VCV002284227.26), dbSNP rs993813895, ClinGen allele CA329120584.

ClinVar aggregate classification (germline): Conflicting classifications of pathogenicity. Review status: criteria provided, conflicting classifications (1 of 4 stars). 2 submissions from 2 submitters: Uncertain significance (1); Likely benign (1). Last evaluated 2022-06-01.

Allele frequency attached by ClinVar (database versions not stated): TOPMed 0.00001; gnomAD 0.00004.
gnomAD v4.1: 25 of 1,207,905 alleles (0.0021%); highest among the groups gnomAD compares: Middle Eastern, 0.046%; no homozygotes.

Submissions (2):

CeGaT Center for Human Genetics Tuebingen
Classification: Likely benign. Last evaluated: 2022-06-01. Review status: criteria provided, single submitter. Criteria: CeGaT Center For Human Genetics Tuebingen Variant Classification Criteria Version 2. Collection method: clinical testing. Allele origin: germline. Affected: yes. Observed: 1 variant allele.
Comment: HDAC6: BP4, BS2

Ambry Genetics
Classification: Uncertain significance. Last evaluated: 2021-11-30. Review status: criteria provided, single submitter. Criteria: Ambry Variant Classification Scheme 2023. Collection method: clinical testing. Allele origin: germline.